The following is an entry in ClinVar:

ClinVar aggregate classification (germline): Uncertain significance (1 of 4 stars; one submission).

Conditions:
Gingival disorder. Also called: Gingival disease. Identifiers: MedGen C0017563, MONDO:0002021.

Submission:

Labcorp Genetics (formerly Invitae), Labcorp
Classification: Uncertain significance for Gingival disorder. Last evaluated: 2024-11-04. Review status: criteria provided, single submitter. Criteria: Invitae Variant Classification Sherloc (09022015). Collection method: clinical testing. Allele origin: germline.
Comment: This sequence change replaces leucine, which is neutral and non-polar, with valine, which is neutral and non-polar, at codon 46 of the FPR1 protein (p.Leu46Val). This variant is not present in population databases (gnomAD no frequency). This variant has not been reported in the literature in individuals affected with FPR1-related conditions. An algorithm developed to predict the effect of missense changes on protein structure and function (PolyPhen-2) suggests that this variant is likely to be disruptive. In summary, the available evidence is currently insufficient to determine the role of this variant in disease. Therefore, it has been classified as a Variant of Uncertain Significance.

NM_002029.4(FPR1):c.136C>G (p.Leu46Val)

Gene: FPR1 (formyl peptide receptor 1; minus strand). Cytogenetic location: 19q13.41.
Variant type: single nucleotide variant.
Coding change: c.136C>G on transcript NM_002029.4 (MANE Select); coding-DNA position 136, C replaced by G.
Protein change: p.Leu46Val; replaces leucine 46 with valine.
Molecular consequence: missense variant.
Genome position (GRCh38, 1-based): chr19:51,746,859, G>C on the plus strand (C>G on the coding strand, the complement: FPR1 is on the minus strand). VCF-style: chr19-51746859-G-C. GRCh37 (hg19) VCF-style: chr19-52250112-G-C.
Other names: c.136C>G, p.Leu46Val (NM_001193306.2); short protein forms L46V.
Identifiers: ClinVar variation 3724637 (VCV003724637.2).